The following is an entry in ClinVar:

NM_015978.3(TNNI3K):c.316C>T (p.His106Tyr)

Genes: FPGT-TNNI3K (FPGT-TNNI3K readthrough; plus strand), TNNI3K (TNNI3 interacting kinase; plus strand). Cytogenetic location: 1p31.1.
Variant type: single nucleotide variant.
Coding change: c.316C>T on transcript NM_015978.3 (MANE Select); coding-DNA position 316, C replaced by T.
Protein change: p.His106Tyr; replaces histidine 106 with tyrosine.
Molecular consequence: missense variant.
Genome position (GRCh38, 1-based): chr1:74,250,752, C>T. VCF-style: chr1-74250752-C-T. GRCh37 (hg19) VCF-style: chr1-74716436-C-T.
Other names: c.619C>T, p.His207Tyr (NM_001112808.3, NM_001199327.2); short protein forms H106Y, H207Y.
Identifiers: ClinVar variation 2001629 (VCV002001629.4), dbSNP rs142238660, ClinGen allele CA340788229.

ClinVar aggregate classification (germline): Uncertain significance (1 of 4 stars; one submission).

Submission:

Labcorp Genetics (formerly Invitae), Labcorp
Classification: Uncertain significance. Last evaluated: 2022-06-01. Review status: criteria provided, single submitter. Criteria: Invitae Variant Classification Sherloc (09022015). Collection method: clinical testing. Allele origin: germline.
Comment: Algorithms developed to predict the effect of missense changes on protein structure and function are either unavailable or do not agree on the potential impact of this missense change (SIFT: "Deleterious"; PolyPhen-2: "Benign"; Align-GVGD: "Class C0"). In summary, the available evidence is currently insufficient to determine the role of this variant in disease. Therefore, it has been classified as a Variant of Uncertain Significance. This variant has not been reported in the literature in individuals affected with TNNI3K-related conditions. This variant is not present in population databases (gnomAD no frequency). This sequence change replaces histidine, which is basic and polar, with tyrosine, which is neutral and polar, at codon 106 of the TNNI3K protein (p.His106Tyr).